The following is an entry in ClinVar:

NM_001378454.1(ALMS1):c.9828G>A (p.Met3276Ile)

Gene: ALMS1 (ALMS1 centrosome and basal body associated protein; plus strand). Cytogenetic location: 2p13.1.
Variant type: single nucleotide variant.
Coding change: c.9828G>A on transcript NM_001378454.1 (MANE Select); coding-DNA position 9828, G replaced by A.
Protein change: p.Met3276Ile; replaces methionine 3276 with isoleucine.
Molecular consequence: missense variant.
Genome position (GRCh38, 1-based): chr2:73,534,870, G>A. VCF-style: chr2-73534870-G-A. GRCh37 (hg19) VCF-style: chr2-73761997-G-A.
Other names: c.9831G>A, p.Met3277Ile (NM_015120.4); short protein forms M3277I, M3276I.
Identifiers: ClinVar variation 550190 (VCV000550190.4), dbSNP rs551840069, ClinGen allele CA1714787.
Genomic context (GRCh38, chr2:73,534,870, plus strand): 5'-TTTTACCTCCTTAGGCCAGCCTTTATTATTGCCATATAAGCCTTCTGGTAGTACCAAGAT[G>A]TATTATGTTCCACAATTAAGACAAATTCCTCCATCTCCGGATTCCAAATCAGATACCACC-3'
Protein context (NP_001365383.1, residues 3266-3286): LPYKPSGSTK[Met3276Ile]YYVPQLRQIP

ClinVar aggregate classification (germline): Uncertain significance. Review status: criteria provided, single submitter (1 of 4 stars). 2 submissions from 2 submitters: Uncertain significance (1). 1 of the submissions does not count toward it. Last evaluated 2022-05-01.

Conditions:
Alstrom syndrome (ALMS). Identifiers: Orphanet 64, MedGen C0268425, MONDO:0008763, OMIM 203800.

Allele frequency attached by ClinVar (database versions not stated): gnomAD exomes below 0.00001 and 0.00002; ExAC 0.00002; gnomAD 0.00002 and 0.00003; TOPMed 0.00003; 1000 Genomes Project 30x 0.00016; 1000 Genomes Project 0.00020.
gnomAD v4.1: 10 of 1,613,676 alleles (0.00062%); highest among the groups gnomAD compares: East Asian, 0.022%; no homozygotes.

Submissions (2):

Labcorp Genetics (formerly Invitae), Labcorp
Classification: Uncertain significance for Alstrom syndrome. Last evaluated: 2022-05-01. Review status: criteria provided, single submitter. Criteria: Invitae Variant Classification Sherloc (09022015). Collection method: clinical testing. Allele origin: germline.
Comment: This sequence change replaces methionine, which is neutral and non-polar, with isoleucine, which is neutral and non-polar, at codon 3277 of the ALMS1 protein (p.Met3277Ile). This variant is present in population databases (rs551840069, gnomAD 0.03%). This variant has not been reported in the literature in individuals affected with ALMS1-related conditions. ClinVar contains an entry for this variant (Variation ID: 550190). Experimental studies and prediction algorithms are not available or were not evaluated, and the functional significance of this variant is currently unknown. In summary, the available evidence is currently insufficient to determine the role of this variant in disease. Therefore, it has been classified as a Variant of Uncertain Significance.

Counsyl
Classification: Uncertain significance for Alstrom syndrome. Last evaluated: 2017-01-10. Review status: no assertion criteria provided. Collection method: clinical testing. Allele origin: unknown. Not counted in ClinVar's aggregate classification.